The following is an entry in ClinVar:

ClinVar aggregate classification (germline): Conflicting classifications of pathogenicity. Review status: criteria provided, conflicting classifications (1 of 4 stars). 4 submissions from 4 submitters: Uncertain significance (1); Likely benign (3). Last evaluated 2025-11-10.

Conditions:
COL6A2-related disorder.
Bethlem myopathy 1A. Also called: MYOPATHY, BENIGN CONGENITAL, WITH CONTRACTURES; Bethlem myopathy 1; Bethlem Muscular Dystrophy. Identifiers: Orphanet 610, MedGen CN029274, MONDO:0024530, OMIM 158810.

Allele frequency attached by ClinVar (database versions not stated): gnomAD exomes 0.00004 and 0.00013; TOPMed 0.00010; gnomAD 0.00013 and 0.00014; 1000 Genomes Project 30x 0.00016; ExAC 0.00018; 1000 Genomes Project 0.00020.
gnomAD v4.1: 82 of 1,609,438 alleles (0.0051%); highest among the groups gnomAD compares: South Asian, 0.041%; no homozygotes.

Submissions (4):

Labcorp Genetics (formerly Invitae), Labcorp
Classification: Likely benign for Bethlem myopathy 1A. Last evaluated: 2025-11-10. Review status: criteria provided, single submitter. Criteria: Invitae Variant Classification Sherloc (09022015). Collection method: clinical testing. Allele origin: germline.

PreventionGenetics, part of Exact Sciences
Classification: Likely benign for COL6A2-related condition. Last evaluated: 2024-10-09. Review status: criteria provided, single submitter. Criteria: ACMG Guidelines, 2015. Collection method: clinical testing. Allele origin: germline.
Comment: This variant is classified as likely benign based on ACMG/AMP sequence variant interpretation guidelines (Richards et al. 2015 PMID: 25741868, with internal and published modifications).

GeneDx
Classification: Likely benign. Last evaluated: 2017-09-08. Review status: criteria provided, single submitter. Criteria: GeneDx Variant Classification (06012015). Collection method: clinical testing. Allele origin: germline. Affected: yes.
Comment: This variant is considered likely benign or benign based on one or more of the following criteria: it is a conservative change, it occurs at a poorly conserved position in the protein, it is predicted to be benign by multiple in silico algorithms, and/or has population frequency not consistent with disease.

Eurofins Ntd Llc (ga)
Classification: Uncertain significance. Last evaluated: 2016-08-18. Review status: criteria provided, single submitter. Criteria: EGL Classification Definitions 2015. Collection method: clinical testing. Allele origin: germline. Observed: 1 variant allele, 1 heterozygote.

NM_001849.4(COL6A2):c.567C>T (p.Ala189=)

Gene: COL6A2 (collagen type VI alpha 2 chain; plus strand). Cytogenetic location: 21q22.3.
Variant type: single nucleotide variant.
Coding change: c.567C>T on transcript NM_001849.4 (MANE Select); coding-DNA position 567, C replaced by T.
Protein change: p.Ala189=; no amino-acid change (alanine 189 retained).
Molecular consequence: synonymous variant.
Genome position (GRCh38, 1-based): chr21:46,112,430, C>T. VCF-style: chr21-46112430-C-T. GRCh37 (hg19) VCF-style: chr21-47532344-C-T.
Other names: c.567C>T, p.Ala189= (NM_058174.3, NM_058175.3).
Identifiers: ClinVar variation 290115 (VCV000290115.15), dbSNP rs563505047, ClinGen allele CA10071339.